The following is an entry in ClinVar:

NM_024426.6(WT1):c.158C>G (p.Ala53Gly)

Genes: WT1 (WT1 transcription factor; minus strand), LOC107982234 (WT1/WT1-AS bi-directional promoter region; plus strand). Cytogenetic location: 11p13.
Variant type: single nucleotide variant.
Coding change: c.158C>G on transcript NM_024426.6 (MANE Select); coding-DNA position 158, C replaced by G.
Protein change: p.Ala53Gly; replaces alanine 53 with glycine.
Molecular consequence: missense variant. On other transcripts: 5 prime UTR variant (4), non-coding transcript variant (2).
Genome position (GRCh38, 1-based): chr11:32,435,203, G>C on the plus strand (C>G on the coding strand, the complement: WT1 is on the minus strand). VCF-style: chr11-32435203-G-C. GRCh37 (hg19) VCF-style: chr11-32456749-G-C.
Other names: c.143C>G (NM_024426.4); c.158C>G, p.Ala53Gly (NM_000378.6, NM_001407044.1, NM_001407045.1 and 6 more transcripts); c.-62C>G (NM_001429031.1, NM_001429032.1, NM_001429033.1 and 1 more transcripts); short protein forms A48G, A53G.
Identifiers: ClinVar variation 3751666 (VCV003751666.3).

ClinVar aggregate classification (germline): Uncertain significance. Review status: criteria provided, multiple submitters, no conflicts (2 of 4 stars). 2 submissions from 2 submitters: Uncertain significance (2). Last evaluated 2026-03-03.

Conditions:
Wilms tumor 1 (WT1). Also called: Wilms tumor, somatic. Identifiers: Orphanet 654, MedGen CN033288, MONDO:0008679, OMIM 194070.
11p partial monosomy syndrome (WAGR). Also called: CHROMOSOME 11p13 DELETION SYNDROME; WAGR Spectrum Disorder; WAGR syndrome; WAGR Complex. Identifiers: Orphanet 893, MedGen C0206115, MONDO:0008681, OMIM 194072.
Drash syndrome (DDS). Also called: NEPHROPATHY, WILMS TUMOR, AND GENITAL ANOMALIES; WILMS TUMOR AND PSEUDO- OR TRUE HERMAPHRODITISM. Identifiers: Orphanet 220, MedGen C0950121, MONDO:0008682, OMIM 194080.
Frasier syndrome. Identifiers: Orphanet 347, MedGen C0950122, MeSH D052159, MONDO:0007635, OMIM 136680.
Inborn genetic diseases. Identifiers: MedGen C0950123, MeSH D030342.

Submissions (2):

Ambry Genetics
Classification: Uncertain significance for Inborn genetic diseases. Last evaluated: 2026-03-03. Review status: criteria provided, single submitter. Criteria: Ambry Variant Classification Scheme 2023. Collection method: clinical testing. Allele origin: germline.
Comment: The p.A48G variant (also known as c.143C>G), located in coding exon 1 of the WT1 gene, results from a C to G substitution at nucleotide position 143. The alanine at codon 48 is replaced by glycine, an amino acid with similar properties. This amino acid position is conserved. In addition, this alteration is predicted to be tolerated by in silico analysis. Based on the available evidence, the clinical significance of this variant remains unclear.

Labcorp Genetics (formerly Invitae), Labcorp
Classification: Uncertain significance for Wilms tumor 1; Drash syndrome; 11p partial monosomy syndrome; Frasier syndrome. Last evaluated: 2024-09-23. Review status: criteria provided, single submitter. Criteria: Invitae Variant Classification Sherloc (09022015). Collection method: clinical testing. Allele origin: germline.
Comment: This sequence change replaces alanine, which is neutral and non-polar, with glycine, which is neutral and non-polar, at codon 48 of the WT1 protein (p.Ala48Gly). This variant is not present in population databases (gnomAD no frequency). This variant has not been reported in the literature in individuals affected with WT1-related conditions. An algorithm developed to predict the effect of missense changes on protein structure and function (PolyPhen-2) suggests that this variant is likely to be tolerated. In summary, the available evidence is currently insufficient to determine the role of this variant in disease. Therefore, it has been classified as a Variant of Uncertain Significance.